The following is an entry in ClinVar:

NM_144997.7(FLCN):c.761T>C (p.Leu254Pro)

Gene: FLCN (folliculin; minus strand). Cytogenetic location: 17p11.2.
Variant type: single nucleotide variant.
Coding change: c.761T>C on transcript NM_144997.7 (MANE Select); coding-DNA position 761, T replaced by C.
Protein change: p.Leu254Pro; replaces leucine 254 with proline.
Molecular consequence: missense variant.
Genome position (GRCh38, 1-based): chr17:17,222,519, A>G on the plus strand (T>C on the coding strand, the complement: FLCN is on the minus strand). VCF-style: chr17-17222519-A-G. GRCh37 (hg19) VCF-style: chr17-17125833-A-G.
Other names: c.815T>C, p.Leu272Pro (NM_001353229.2); c.761T>C, p.Leu254Pro (NM_001353230.2, NM_001353231.2, NM_144606.7); short protein forms L272P, L254P.
Identifiers: ClinVar variation 1759845 (VCV001759845.7), dbSNP rs2544232040, ClinGen allele CA398533852.

ClinVar aggregate classification (germline): Conflicting classifications of pathogenicity. Review status: criteria provided, conflicting classifications (1 of 4 stars). 2 submissions from 2 submitters: Likely pathogenic (1); Uncertain significance (1). Last evaluated 2024-09-18.

Conditions:
Birt-Hogg-Dube syndrome. Also called: Birt Hogg Dubé syndrome. Identifiers: Orphanet 122, MedGen C0346010, MONDO:0800444.
Hereditary cancer-predisposing syndrome. Also called: Neoplastic Syndromes, Hereditary; Tumor predisposition; Hereditary neoplastic syndrome; Hereditary Cancer Syndrome. Identifiers: Orphanet 140162, MedGen C0027672, MeSH D009386, MONDO:0015356.

Submissions (2):

Ambry Genetics
Classification: Likely pathogenic for Hereditary cancer-predisposing syndrome. Last evaluated: 2024-09-18. Review status: criteria provided, single submitter. Criteria: Ambry Variant Classification Scheme 2023. Collection method: clinical testing. Allele origin: germline.
Comment: The p.L254P variant (also known as c.761T>C), located in coding exon 4 of the FLCN gene, results from a T to C substitution at nucleotide position 761. The leucine at codon 254 is replaced by proline, an amino acid with similar properties. This alteration has been observed in at least one individual with a personal and/or family history that is consistent with FLCN-related disease (Ambry internal data). Based on internal structural analysis, L254P is strongly destabilizing to the FLCN longin domain, more so than a pathogenic variant nearby (Lawrence RE et al. Science 2019 Nov;366(6468):971-977; Shen, K et al. Cell 2019 Nov;179(6):1319-1329.e8). This amino acid position is highly conserved in available vertebrate species. In addition, this alteration is predicted to be deleterious by in silico analysis. This variant is considered to be rare based on population cohorts in the Genome Aggregation Database (gnomAD). Based on the majority of available evidence to date, this variant is likely to be pathogenic.

Labcorp Genetics (formerly Invitae), Labcorp
Classification: Uncertain significance for Birt-Hogg-Dube syndrome. Last evaluated: 2023-12-21. Review status: criteria provided, single submitter. Criteria: Invitae Variant Classification Sherloc (09022015). Collection method: clinical testing. Allele origin: germline.
Comment: This sequence change replaces leucine, which is neutral and non-polar, with proline, which is neutral and non-polar, at codon 254 of the FLCN protein (p.Leu254Pro). This variant is not present in population databases (gnomAD no frequency). This variant has not been reported in the literature in individuals affected with FLCN-related conditions. ClinVar contains an entry for this variant (Variation ID: 1759845). Advanced modeling of protein sequence and biophysical properties (such as structural, functional, and spatial information, amino acid conservation, physicochemical variation, residue mobility, and thermodynamic stability) performed at Invitae indicates that this missense variant is expected to disrupt FLCN protein function with a positive predictive value of 80%. In summary, the available evidence is currently insufficient to determine the role of this variant in disease. Therefore, it has been classified as a Variant of Uncertain Significance.

Literature cited by the submitters: PubMed 31672913 (cited by Ambry Genetics); PubMed 31704029 (cited by Ambry Genetics).